The following is an entry in ClinVar:

NM_198859.4(PRICKLE2):c.1040C>T (p.Thr347Met)

Gene: PRICKLE2 (prickle planar cell polarity protein 2; minus strand). Cytogenetic location: 3p14.1.
Variant type: single nucleotide variant.
Coding change: c.1040C>T on transcript NM_198859.4 (MANE Select); coding-DNA position 1040, C replaced by T.
Protein change: p.Thr347Met; replaces threonine 347 with methionine.
Molecular consequence: missense variant.
Genome position (GRCh38, 1-based): chr3:64,147,450, G>A on the plus strand (C>T on the coding strand, the complement: PRICKLE2 is on the minus strand). VCF-style: chr3-64147450-G-A. GRCh37 (hg19) VCF-style: chr3-64133126-G-A.
Other names: c.1040C>T, p.Thr347Met (NM_001370528.1); short protein forms T347M.
Identifiers: ClinVar variation 1359016 (VCV001359016.8), dbSNP rs375755312, ClinGen allele CA2479699.

ClinVar aggregate classification (germline): Uncertain significance (1 of 4 stars; one submission).

Conditions:
Progressive myoclonic epilepsy type 5. Identifiers: Orphanet 402082, MedGen C5190799.

Allele frequency attached by ClinVar (database versions not stated): ExAC 0.00002; TOPMed 0.00002; gnomAD 0.00003 and 0.00004; ESP Exome Variant Server 0.00008.
gnomAD v4.1: 77 of 1,614,110 alleles (0.0048%); highest among the groups gnomAD compares: African/African-American, 0.0067%; no homozygotes.

Submission:

Labcorp Genetics (formerly Invitae), Labcorp
Classification: Uncertain significance for Progressive myoclonic epilepsy type 5. Last evaluated: 2024-09-10. Review status: criteria provided, single submitter. Criteria: Invitae Variant Classification Sherloc (09022015). Collection method: clinical testing. Allele origin: germline.
Comment: This sequence change replaces threonine, which is neutral and polar, with methionine, which is neutral and non-polar, at codon 347 of the PRICKLE2 protein (p.Thr347Met). This variant is present in population databases (rs375755312, gnomAD 0.01%). This variant has not been reported in the literature in individuals affected with PRICKLE2-related conditions. ClinVar contains an entry for this variant (Variation ID: 1359016). Invitae Evidence Modeling of protein sequence and biophysical properties (such as structural, functional, and spatial information, amino acid conservation, physicochemical variation, residue mobility, and thermodynamic stability) has been performed for this missense variant. However, the output from this modeling did not meet the statistical confidence thresholds required to predict the impact of this variant on PRICKLE2 protein function. In summary, the available evidence is currently insufficient to determine the role of this variant in disease. Therefore, it has been classified as a Variant of Uncertain Significance.